The following is an entry in ClinVar:

NM_173651.4(FSIP2):c.6421ATT[1] (p.Ile2142del)

Genes: FSIP2 (fibrous sheath interacting protein 2; plus strand), FSIP2-AS1 (FSIP2 antisense RNA 1; minus strand). Cytogenetic location: 2q32.1.
Variant type: Microsatellite.
Coding change: c.6421ATT[1] on transcript NM_173651.4 (MANE Select); one copy of the 3-base unit ATT starting at c.6421; the reference has two copies in a row; one copy, 3 bases deleted; also written c.6424_6426del.
Protein change: p.Ile2142del; deletes isoleucine 2142.
Molecular consequence: inframe deletion.
Genome position (GRCh38, 1-based): chr2:185,793,560-185,793,562, ATT deleted; deleting any 3 consecutive bases within chr2:185,793,557-185,793,562 gives the same sequence; the position shown is the placement nearest the transcript's 3' end. VCF-style (leftmost placement, unchanged base first): chr2-185793556-GATT-G. GRCh37 (hg19) VCF-style: chr2-186658283-GATT-G.
Other names: c.6424_6426del (NM_173651.4); short protein forms I2142del.
Identifiers: ClinVar variation 5006169 (VCV005006169.2).

ClinVar aggregate classification (germline): Uncertain significance (1 of 4 stars; one submission).

Conditions:
Spermatogenic failure 34. Identifiers: MedGen C4748403, MONDO:0029148, OMIM 618153.

Submission:

Juno Genomics, Hangzhou Juno Genomics, Inc
Classification: Uncertain significance for Spermatogenic failure 34. Review status: criteria provided, single submitter. Criteria: ACMG Guidelines, 2015. Collection method: clinical testing. Allele origin: germline.
Comment: Absent from controls (or at extremely low frequency if recessive) in Genome Aggregation Database.;Protein length changes due to in-frame deletions/insertions in a non-repeat region or stop-loss variants.